The following is an entry in ClinVar:

ClinVar aggregate classification (germline): Uncertain significance (1 of 4 stars; one submission).

Conditions:
Dyskeratosis congenita, autosomal recessive 5 (DKCB5). Identifiers: MedGen C3554656, MONDO:0014076, OMIM 615190.

gnomAD v4.1: 1 of 1,613,278 alleles (0.000062%); highest among the groups gnomAD compares: Admixed American, 0.0017%; no homozygotes.

Submission:

Neuberg Centre For Genomic Medicine, NCGM
Classification: Uncertain significance for Dyskeratosis congenita, autosomal recessive 5. Review status: criteria provided, single submitter. Criteria: ACMG Guidelines, 2015. Collection method: clinical testing. Allele origin: germline. Inheritance: Autosomal recessive inheritance. Affected: yes.
Comment: The observed missense c.260C>T (p.Ser87Leu) variant in RTEL1 gene has not been reported previously as a pathogenic variant nor as a benign variant, to our knowledge. The p.Ser87Leu variant is absent in gnomAD Exomes. This variant has not been submitted to the ClinVar database. Computational evidence (Polyphen - Benign, SIFT - Damaging and MutationTaster - Disease causing) predicts conflicting evidence on protein structure and function for this variant. The reference amino acid of p.Ser87Leu in RTEL1 is predicted as conserved by GERP++ and PhyloP across 100 vertebrates. The amino acid Ser at position 87 is changed to a Leu changing protein sequence and it might alter its composition and physico-chemical properties. For these reasons, this variant has been classified as a Variant of Uncertain Significance (VUS).

NM_001283009.2(RTEL1):c.260C>T (p.Ser87Leu)

Genes: RTEL1 (regulator of telomere elongation helicase 1; plus strand), RTEL1-TNFRSF6B (RTEL1-TNFRSF6B readthrough (NMD candidate); plus strand). Cytogenetic location: 20q13.33.
Variant type: single nucleotide variant.
Coding change: c.260C>T on transcript NM_001283009.2 (MANE Select); coding-DNA position 260, C replaced by T.
Protein change: p.Ser87Leu; replaces serine 87 with leucine.
Molecular consequence: missense variant. On other transcripts: non-coding transcript variant (1), 5 prime UTR variant (1).
Genome position (GRCh38, 1-based): chr20:63,661,455, C>T. VCF-style: chr20-63661455-C-T. GRCh37 (hg19) VCF-style: chr20-62292808-C-T.
Other names: c.-410C>T (NM_001283010.1); c.260C>T, p.Ser87Leu (NM_016434.4, NM_032957.5); short protein forms S87L.
Identifiers: ClinVar variation 3377557 (VCV003377557.1).